The following is an entry in ClinVar:

NM_001289125.3(IFNAR2):c.14A>G (p.Gln5Arg)

Genes: IFNAR2 (interferon alpha and beta receptor subunit 2; plus strand), IFNAR2-IL10RB (IFNAR2-IL10RB readthrough; plus strand). Cytogenetic location: 21q22.11.
Variant type: single nucleotide variant.
Coding change: c.14A>G on transcript NM_001289125.3 (MANE Select); coding-DNA position 14, A replaced by G.
Protein change: p.Gln5Arg; replaces glutamine 5 with arginine.
Molecular consequence: missense variant.
Genome position (GRCh38, 1-based): chr21:33,241,936, A>G. VCF-style: chr21-33241936-A-G. GRCh37 (hg19) VCF-style: chr21-34614241-A-G.
Other names: c.14A>G, p.Gln5Arg (NM_001414505.1, NM_000874.5, NM_001289126.2 and 5 more transcripts); short protein forms Q5R.
Identifiers: ClinVar variation 1979539 (VCV001979539.2), dbSNP rs762005656, ClinGen allele CA10005494.

ClinVar aggregate classification (germline): Uncertain significance (1 of 4 stars; one submission).

Allele frequency attached by ClinVar (database versions not stated): gnomAD exomes 0.00001; TOPMed 0.00002; ExAC 0.00003.
gnomAD v4.1: 6 of 1,612,932 alleles (0.00037%); highest among the groups gnomAD compares: Admixed American, 0.0083%; no homozygotes.

Submission:

Labcorp Genetics (formerly Invitae), Labcorp
Classification: Uncertain significance. Last evaluated: 2022-07-26. Review status: criteria provided, single submitter. Criteria: Invitae Variant Classification Sherloc (09022015). Collection method: clinical testing. Allele origin: germline.
Comment: This variant is present in population databases (rs762005656, gnomAD 0.02%). This sequence change replaces glutamine, which is neutral and polar, with arginine, which is basic and polar, at codon 5 of the IFNAR2 protein (p.Gln5Arg). This variant has not been reported in the literature in individuals affected with IFNAR2-related conditions. In summary, the available evidence is currently insufficient to determine the role of this variant in disease. Therefore, it has been classified as a Variant of Uncertain Significance. Algorithms developed to predict the effect of missense changes on protein structure and function output the following: SIFT: "Tolerated"; PolyPhen-2: "Benign"; Align-GVGD: "Class C0". The arginine amino acid residue is found in multiple mammalian species, which suggests that this missense change does not adversely affect protein function.